The following is an entry in ClinVar:

NM_198578.4(LRRK2):c.3934G>A (p.Gly1312Arg)

Gene: LRRK2 (leucine rich repeat kinase 2; plus strand). Cytogenetic location: 12q12.
Variant type: single nucleotide variant.
Coding change: c.3934G>A on transcript NM_198578.4 (MANE Select); coding-DNA position 3934, G replaced by A.
Protein change: p.Gly1312Arg; replaces glycine 1312 with arginine.
Molecular consequence: missense variant.
Genome position (GRCh38, 1-based): chr12:40,305,941, G>A. VCF-style: chr12-40305941-G-A. GRCh37 (hg19) VCF-style: chr12-40699743-G-A.
Other names: short protein forms G1312R.
Identifiers: ClinVar variation 1736291 (VCV001736291.2), dbSNP rs2499796060, ClinGen allele CA384417374.

ClinVar aggregate classification (germline): Uncertain significance (1 of 4 stars; one submission).

Conditions:
Inborn genetic diseases. Identifiers: MedGen C0950123, MeSH D030342.

Submission:

Ambry Genetics
Classification: Uncertain significance for Inborn genetic diseases. Last evaluated: 2022-09-03. Review status: criteria provided, single submitter. Criteria: Ambry Variant Classification Scheme 2023. Collection method: clinical testing. Allele origin: germline.
Comment: The p.G1312R variant (also known as c.3934G>A), located in coding exon 28 of the LRRK2 gene, results from a G to A substitution at nucleotide position 3934. The glycine at codon 1312 is replaced by arginine, an amino acid with dissimilar properties. This amino acid position is conserved. In addition, the in silico prediction for this alteration is inconclusive. Since supporting evidence is limited at this time, the clinical significance of this alteration remains unclear.